The following is an entry in ClinVar:

ClinVar aggregate classification (germline): Uncertain significance. Review status: criteria provided, multiple submitters, no conflicts (2 of 4 stars). 2 submissions from 2 submitters: Uncertain significance (2). Last evaluated 2020-08-20.

gnomAD v4.1: 2 of 1,613,250 alleles (0.00012%); highest among the groups gnomAD compares: South Asian, 0.0022%; no homozygotes.

Submissions (2):

Labcorp Genetics (formerly Invitae), Labcorp
Classification: Uncertain significance. Last evaluated: 2020-08-20. Review status: criteria provided, single submitter. Criteria: Invitae Variant Classification Sherloc (09022015). Collection method: clinical testing. Allele origin: germline.
Comment: This variant is not present in population databases (ExAC no frequency). This variant has not been reported in the literature in individuals with EFEMP1-related conditions. Algorithms developed to predict the effect of missense changes on protein structure and function are either unavailable or do not agree on the potential impact of this missense change (SIFT: "Deleterious"; PolyPhen-2: "Benign"; Align-GVGD: "Class C65"). In summary, the available evidence is currently insufficient to determine the role of this variant in disease. Therefore, it has been classified as a Variant of Uncertain Significance. This sequence change replaces proline with arginine at codon 232 of the EFEMP1 protein (p.Pro232Arg). The proline residue is highly conserved and there is a moderate physicochemical difference between proline and arginine.

Blueprint Genetics
Classification: Uncertain significance. Last evaluated: 2020-04-20. Review status: criteria provided, single submitter. Criteria: ACMG Guidelines, 2015. Collection method: clinical testing. Allele origin: germline.

NM_001039348.3(EFEMP1):c.695C>G (p.Pro232Arg)

Gene: EFEMP1 (EGF-like fibulin extracellular matrix protein 1; minus strand). Cytogenetic location: 2p16.1.
Variant type: single nucleotide variant.
Coding change: c.695C>G on transcript NM_001039348.3 (MANE Select); coding-DNA position 695, C replaced by G.
Protein change: p.Pro232Arg; replaces proline 232 with arginine.
Molecular consequence: missense variant.
Genome position (GRCh38, 1-based): chr2:55,877,811, G>C on the plus strand (C>G on the coding strand, the complement: EFEMP1 is on the minus strand). VCF-style: chr2-55877811-G-C. GRCh37 (hg19) VCF-style: chr2-56104946-G-C.
Other names: c.695C>G, p.Pro232Arg (NM_001039349.3); short protein forms P232R.
Identifiers: ClinVar variation 1057673 (VCV001057673.10), dbSNP rs950717015, ClinGen allele CA347029290.